The following is an entry in ClinVar:

NM_000260.4(MYO7A):c.5320T>C (p.Phe1774Leu)

Gene: MYO7A (myosin VIIA; plus strand). Cytogenetic location: 11q13.5.
Variant type: single nucleotide variant.
Coding change: c.5320T>C on transcript NM_000260.4 (MANE Select); coding-DNA position 5320, T replaced by C.
Protein change: p.Phe1774Leu; replaces phenylalanine 1774 with leucine.
Molecular consequence: missense variant.
Genome position (GRCh38, 1-based): chr11:77,203,211, T>C. VCF-style: chr11-77203211-T-C. GRCh37 (hg19) VCF-style: chr11-76914256-T-C.
Other names: c.5206T>C, p.Phe1736Leu (NM_001127180.2); c.5173T>C, p.Phe1725Leu (NM_001369365.1); short protein forms F1725L, F1736L, F1774L.
Identifiers: ClinVar variation 2735712 (VCV002735712.3), dbSNP rs2497666400, ClinGen allele CA381952465.

ClinVar aggregate classification (germline): Likely pathogenic (1 of 4 stars; one submission).

Submission:

Labcorp Genetics (formerly Invitae), Labcorp
Classification: Likely pathogenic. Last evaluated: 2023-06-11. Review status: criteria provided, single submitter. Criteria: Invitae Variant Classification Sherloc (09022015). Collection method: clinical testing. Allele origin: germline.
Comment: This sequence change replaces phenylalanine, which is neutral and non-polar, with leucine, which is neutral and non-polar, at codon 1774 of the MYO7A protein (p.Phe1774Leu). This variant is not present in population databases (gnomAD no frequency). This missense change has been observed in individual(s) with autosomal recessive Usher syndrome (PMID: 23237960). In at least one individual the data is consistent with being in trans (on the opposite chromosome) from a pathogenic variant. In summary, the currently available evidence indicates that the variant is pathogenic, but additional data are needed to prove that conclusively. Therefore, this variant has been classified as Likely Pathogenic. Advanced modeling of protein sequence and biophysical properties (such as structural, functional, and spatial information, amino acid conservation, physicochemical variation, residue mobility, and thermodynamic stability) performed at Invitae indicates that this missense variant is expected to disrupt MYO7A protein function. This variant disrupts the p.Phe1774 amino acid residue in MYO7A. Other variant(s) that disrupt this residue have been observed in individuals with MYO7A-related conditions (PMID: 23237960, 28944237), which suggests that this may be a clinically significant amino acid residue.

Literature cited by the submitters: PubMed 23237960; PubMed 28944237.